The following is an entry in ClinVar:

ClinVar aggregate classification (germline): Benign (1 of 4 stars; one submission).

Allele frequency attached by ClinVar (database versions not stated): 1000 Genomes Project 0.05012; gnomAD 0.05126 and 0.05505; 1000 Genomes Project 30x 0.05528; TOPMed 0.05888.
gnomAD v4.1: 7,719 of 152,058 alleles (5.1%); highest among the groups gnomAD compares: African/African-American, 18%; 634 homozygotes.

Submission:

GeneDx
Classification: Benign. Last evaluated: 2018-06-16. Review status: criteria provided, single submitter. Criteria: GeneDx Variant Classification (06012015). Collection method: clinical testing. Allele origin: germline. Affected: yes.
Comment: This variant is considered likely benign or benign based on one or more of the following criteria: it is a conservative change, it occurs at a poorly conserved position in the protein, it is predicted to be benign by multiple in silico algorithms, and/or has population frequency not consistent with disease.

NM_016360.4(TACO1):c.281-177C>T

Gene: TACO1 (translational activator of cytochrome c oxidase I; plus strand). Cytogenetic location: 17q23.3.
Variant type: single nucleotide variant.
Coding change: c.281-177C>T on transcript NM_016360.4 (MANE Select); 177 bases into the intron before coding-DNA position 281, C replaced by T.
Molecular consequence: intron variant.
Genome position (GRCh38, 1-based): chr17:63,604,357, C>T. VCF-style: chr17-63604357-C-T. GRCh37 (hg19) VCF-style: chr17-61681717-C-T.
Identifiers: ClinVar variation 684136 (VCV000684136.1), dbSNP rs55972407, ClinGen allele CA14483203.